The following is an entry in ClinVar:

NM_018834.6(MATR3):c.769C>G (p.Pro257Ala)

Gene: MATR3 (matrin 3; plus strand). Cytogenetic location: 5q31.2.
Variant type: single nucleotide variant.
Coding change: c.769C>G on transcript NM_018834.6 (MANE Select); coding-DNA position 769, C replaced by G.
Protein change: p.Pro257Ala; replaces proline 257 with alanine.
Molecular consequence: missense variant. On other transcripts: intron variant (2).
Genome position (GRCh38, 1-based): chr5:139,308,184, C>G. VCF-style: chr5-139308184-C-G. GRCh37 (hg19) VCF-style: chr5-138643873-C-G.
Other names: c.769C>G, p.Pro257Ala (NM_001194954.2, NM_001194955.2, NM_199189.3); c.-102-6491C>G (NM_001282278.2); c.49-6491C>G (NM_001194956.2); short protein forms P257A.
Identifiers: ClinVar variation 1494432 (VCV001494432.8), dbSNP rs774478774, ClinGen allele CA3432943.

ClinVar aggregate classification (germline): Uncertain significance (1 of 4 stars; one submission).

Conditions:
Amyotrophic lateral sclerosis type 21. Also called: VOCAL CORD AND PHARYNGEAL DYSFUNCTION WITH DISTAL MYOPATHY; MYOPATHY, DISTAL, 2. Identifiers: Orphanet 600, Orphanet 803, MedGen C3807521, MONDO:0011632, OMIM 606070.

Allele frequency attached by ClinVar (database versions not stated): gnomAD exomes below 0.00001 and 0.00001; ExAC 0.00002.
gnomAD v4.1: 4 of 1,614,054 alleles (0.00025%); highest among the groups gnomAD compares: Non-Finnish European, 0.00034%; no homozygotes.

Submission:

Labcorp Genetics (formerly Invitae), Labcorp
Classification: Uncertain significance for Amyotrophic lateral sclerosis type 21. Last evaluated: 2022-08-16. Review status: criteria provided, single submitter. Criteria: Invitae Variant Classification Sherloc (09022015). Collection method: clinical testing. Allele origin: germline.
Comment: This sequence change replaces proline, which is neutral and non-polar, with alanine, which is neutral and non-polar, at codon 257 of the MATR3 protein (p.Pro257Ala). This variant is present in population databases (rs774478774, gnomAD 0.002%). This variant has not been reported in the literature in individuals affected with MATR3-related conditions. ClinVar contains an entry for this variant (Variation ID: 1494432). Algorithms developed to predict the effect of missense changes on protein structure and function are either unavailable or do not agree on the potential impact of this missense change (SIFT: "Deleterious"; PolyPhen-2: "Probably Damaging"; Align-GVGD: "Class C0"). In summary, the available evidence is currently insufficient to determine the role of this variant in disease. Therefore, it has been classified as a Variant of Uncertain Significance.